The following is an entry in ClinVar:

NM_003072.5(SMARCA4):c.4171-1861del

Gene: SMARCA4 (SWI/SNF related BAF chromatin remodeling complex subunit ATPase 4; plus strand). Cytogenetic location: 19p13.2.
Variant type: Deletion.
Coding change: c.4171-1861del on transcript NM_003072.5 (MANE Select); 1861 bases into the intron before coding-DNA position 4171, one base deleted (A; older notation c.4171-1861delA).
Molecular consequence: intron variant.
Genome position (GRCh38, 1-based): chr19:11,039,446, A deleted; the last of 6 consecutive A bases (chr19:11,039,441-11,039,446); deleting any one gives the same sequence. VCF-style (leftmost placement, unchanged base first): chr19-11039440-TA-T. GRCh37 (hg19) VCF-style: chr19-11150116-TA-T.
Other names: c.4171-1861del (NM_001128844.3); c.4171-12del (NM_001128849.3, NM_001387283.1); c.4072-1861del (NM_001128847.4, NM_001374457.1, NM_001128848.2); c.4072-1852del (NM_001128845.2, NM_001128846.2).
Identifiers: ClinVar variation 1199715 (VCV001199715.15), dbSNP rs551217010, ClinGen allele CA9204623.

ClinVar aggregate classification (germline): Conflicting classifications of pathogenicity. Review status: criteria provided, conflicting classifications (1 of 4 stars). 3 submissions from 3 submitters: Uncertain significance (1); Benign (1); Likely benign (1). Last evaluated 2026-01-27.

Conditions:
Rhabdoid tumor predisposition syndrome 2 (RTPS2). Identifiers: Orphanet 231108, Orphanet 69077, MedGen C2750074, MONDO:0013224, OMIM 613325.

Submissions (3):

Labcorp Genetics (formerly Invitae), Labcorp
Classification: Benign for Rhabdoid tumor predisposition syndrome 2. Last evaluated: 2026-01-27. Review status: criteria provided, single submitter. Criteria: Invitae Variant Classification Sherloc (09022015). Collection method: clinical testing. Allele origin: germline.

Blueprint Genetics
Classification: Likely benign. Last evaluated: 2024-08-26. Review status: criteria provided, single submitter. Criteria: ACMG Guidelines, 2015. Collection method: clinical testing. Allele origin: germline.

GeneDx
Classification: Uncertain significance. Last evaluated: 2023-06-08. Review status: criteria provided, single submitter. Criteria: GeneDx Variant Classification Process June 2021. Collection method: clinical testing. Allele origin: germline. Affected: yes.
Comment: In silico analysis is inconclusive as to whether the variant alters gene splicing. In the absence of RNA/functional studies, the actual effect of this sequence change is unknown.; Has not been previously published as pathogenic or benign to our knowledge